The following is an entry in ClinVar:

NC_000016.10:g.(?_68737292)_(68737463_?)del

Genes: CDH1 (cadherin 1; plus strand), LOC130059290 (ATAC-STARR-seq lymphoblastoid silent region 7650; plus strand). Cytogenetic location: 16q22.1.
Variant type: Deletion.
Identifiers: ClinVar variation 2503027 (VCV002503027.1).

ClinVar aggregate classification (germline): Likely pathogenic (1 of 4 stars; one submission).

Conditions:
Hereditary diffuse gastric adenocarcinoma (HDGC). Also called: DIFFUSE GASTRIC AND LOBULAR BREAST CANCER SYNDROME. Identifiers: Orphanet 26106, MedGen C1708349, MONDO:0007648, OMIM 137215.

Submission:

European Reference Network on Genetic Tumour Risk Syndromes (ERN-GENTURIS), i3s - Instituto de Investigação e Inovação em Saúde, University of Porto
Classification: Likely pathogenic for Hereditary diffuse gastric adenocarcinoma. Last evaluated: 2022-08-01. Review status: criteria provided, single submitter. Criteria: Lee et al. (Hum Mutat. 2018). Collection method: clinical testing. Allele origin: germline. Inheritance: Autosomal dominant inheritance. Affected: no. Study: ERN GENTURIS.
Comment: PVS1; PM2 (PMID: 30311375)

Literature cited by the submitters: PubMed 36436516.